The following is an entry in ClinVar:

NM_001114753.3(ENG):c.1648A>C (p.Thr550Pro)

Genes: ENG (endoglin; minus strand), LOC102723566 (uncharacterized LOC102723566; plus strand). Cytogenetic location: 9q34.11.
Variant type: single nucleotide variant.
Coding change: c.1648A>C on transcript NM_001114753.3 (MANE Select); coding-DNA position 1648, A replaced by C.
Protein change: p.Thr550Pro; replaces threonine 550 with proline.
Molecular consequence: missense variant.
Genome position (GRCh38, 1-based): chr9:127,818,158, T>G on the plus strand (A>C on the coding strand, the complement: ENG is on the minus strand). VCF-style: chr9-127818158-T-G. GRCh37 (hg19) VCF-style: chr9-130580437-T-G.
Other names: c.1648A>C, p.Thr550Pro (NM_000118.4); c.1102A>C, p.Thr368Pro (NM_001278138.2); short protein forms T550P, T368P.
Identifiers: ClinVar variation 2744446 (VCV002744446.3), dbSNP rs2539059194, ClinGen allele CA374974138.

ClinVar aggregate classification (germline): Uncertain significance (1 of 4 stars; one submission).

Conditions:
Hereditary hemorrhagic telangiectasia (HHT). Also called: ORW DISEASE; Osler Weber Rendu syndrome; OSLER-RENDU-WEBER DISEASE; Osler hemorrhagic telangiectasia syndrome. Identifiers: Orphanet 774, MedGen C0039445, MONDO:0019180. Disease mechanism: loss of function.

Submission:

Labcorp Genetics (formerly Invitae), Labcorp
Classification: Uncertain significance for Hereditary hemorrhagic telangiectasia. Last evaluated: 2023-07-17. Review status: criteria provided, single submitter. Criteria: Invitae Variant Classification Sherloc (09022015). Collection method: clinical testing. Allele origin: germline.
Comment: Advanced modeling of protein sequence and biophysical properties (such as structural, functional, and spatial information, amino acid conservation, physicochemical variation, residue mobility, and thermodynamic stability) has been performed at Invitae for this missense variant, however the output from this modeling did not meet the statistical confidence thresholds required to predict the impact of this variant on ENG protein function. In summary, the available evidence is currently insufficient to determine the role of this variant in disease. Therefore, it has been classified as a Variant of Uncertain Significance. This variant has not been reported in the literature in individuals affected with ENG-related conditions. This variant is not present in population databases (gnomAD no frequency). This sequence change replaces threonine, which is neutral and polar, with proline, which is neutral and non-polar, at codon 550 of the ENG protein (p.Thr550Pro).